The following is an entry in ClinVar:

NM_176787.5(PIGN):c.2707A>G (p.Ile903Val)

Gene: PIGN (phosphatidylinositol glycan anchor biosynthesis class N; minus strand). Cytogenetic location: 18q21.33.
Variant type: single nucleotide variant.
Coding change: c.2707A>G on transcript NM_176787.5 (MANE Select); coding-DNA position 2707, A replaced by G.
Protein change: p.Ile903Val; replaces isoleucine 903 with valine.
Molecular consequence: missense variant.
Genome position (GRCh38, 1-based): chr18:62,045,945, T>C on the plus strand (A>G on the coding strand, the complement: PIGN is on the minus strand). VCF-style: chr18-62045945-T-C. GRCh37 (hg19) VCF-style: chr18-59713178-T-C.
Other names: c.2707A>G, p.Ile903Val (NM_012327.6); short protein forms I903V.
Identifiers: ClinVar variation 589126 (VCV000589126.10), dbSNP rs747799115, ClinGen allele CA8981886.

ClinVar aggregate classification (germline): Uncertain significance. Review status: criteria provided, multiple submitters, no conflicts (2 of 4 stars). 2 submissions from 2 submitters: Uncertain significance (2). Last evaluated 2024-03-15.

Conditions:
Multiple congenital anomalies-hypotonia-seizures syndrome 1 (MCAHS1). Also called: GLYCOSYLPHOSPHATIDYLINOSITOL BIOSYNTHESIS DEFECT 3; PIGN-CDG; Congenital disorder of glycosylation due to PIGN deficiency. Identifiers: Orphanet 280633, MedGen C3279775, MONDO:0013563, OMIM 614080.
Inborn genetic diseases. Identifiers: MedGen C0950123, MeSH D030342.

Allele frequency attached by ClinVar (database versions not stated): gnomAD exomes 0.00004; ExAC 0.00006; gnomAD 0.00009 and 0.00011; TOPMed 0.00015.
gnomAD v4.1: 67 of 1,613,290 alleles (0.0042%); highest among the groups gnomAD compares: African/African-American, 0.031%; no homozygotes.

Submissions (2):

Ambry Genetics
Classification: Uncertain significance for Inborn genetic diseases. Last evaluated: 2024-03-15. Review status: criteria provided, single submitter. Criteria: Ambry Variant Classification Scheme 2023. Collection method: clinical testing. Allele origin: germline.

Labcorp Genetics (formerly Invitae), Labcorp
Classification: Uncertain significance for Multiple congenital anomalies-hypotonia-seizures syndrome 1. Last evaluated: 2022-08-16. Review status: criteria provided, single submitter. Criteria: Invitae Variant Classification Sherloc (09022015). Collection method: clinical testing. Allele origin: germline.
Comment: This sequence change replaces isoleucine, which is neutral and non-polar, with valine, which is neutral and non-polar, at codon 903 of the PIGN protein (p.Ile903Val). This variant is present in population databases (rs747799115, gnomAD 0.05%). This variant has not been reported in the literature in individuals affected with PIGN-related conditions. ClinVar contains an entry for this variant (Variation ID: 589126). Algorithms developed to predict the effect of missense changes on protein structure and function (SIFT, PolyPhen-2, Align-GVGD) all suggest that this variant is likely to be tolerated. In summary, the available evidence is currently insufficient to determine the role of this variant in disease. Therefore, it has been classified as a Variant of Uncertain Significance.